The following is an entry in ClinVar:

NM_001113378.2(FANCI):c.3537+6T>C

Gene: FANCI (FA complementation group I; plus strand). Cytogenetic location: 15q26.1.
Variant type: single nucleotide variant.
Coding change: c.3537+6T>C on transcript NM_001113378.2 (MANE Select); 6 bases into the intron after coding-DNA position 3537, T replaced by C.
Molecular consequence: intron variant.
Genome position (GRCh38, 1-based): chr15:89,306,200, T>C. VCF-style: chr15-89306200-T-C. GRCh37 (hg19) VCF-style: chr15-89849431-T-C.
Other names: c.3357+6T>C (NM_018193.3); c.3537+6T>C (NM_001376911.1); c.3258+6T>C (NM_001376910.1).
Identifiers: ClinVar variation 4851826 (VCV004851826.1).

ClinVar aggregate classification (germline): Uncertain significance (1 of 4 stars; one submission).

Submission:

Dasa
Classification: Uncertain significance. Last evaluated: 2026-01-18. Review status: criteria provided, single submitter. Criteria: DASA Assertion Criteria. Collection method: clinical testing. Allele origin: germline.
Comment: NM_001113378.2(FANCI):c.3537+6T>C is a splice-region variant predicted to affect normal RNA splicing. Multiple computational predictions support a deleterious effect on the gene or gene product. The variant is present at low frequency in population datasets. Based on the available data, this variant is classified as variant of uncertain significance.